The following is an entry in ClinVar:

NM_016553.5(NUP62):c.256A>T (p.Thr86Ser)

Genes: IL4I1 (interleukin 4 induced 1; minus strand), NUP62 (nucleoporin 62; minus strand). Cytogenetic location: 19q13.33.
Variant type: single nucleotide variant.
Coding change: c.256A>T on transcript NM_016553.5 (MANE Select); coding-DNA position 256, A replaced by T.
Protein change: p.Thr86Ser; replaces threonine 86 with serine.
Molecular consequence: missense variant. On other transcripts: intron variant (3).
Genome position (GRCh38, 1-based): chr19:49,909,552, T>A on the plus strand (A>T on the coding strand, the complement: NUP62 is on the minus strand). VCF-style: chr19-49909552-T-A. GRCh37 (hg19) VCF-style: chr19-50412809-T-A.
Other names: c.256A>T, p.Thr86Ser (NM_001193357.2, NM_012346.5, NM_153718.4 and 1 more transcripts); c.-227-5231A>T (NM_001258017.2, NM_172374.3); c.-285-5231A>T (NM_001258018.2); short protein forms T86S.
Identifiers: ClinVar variation 2074912 (VCV002074912.3), dbSNP rs751512833, ClinGen allele CA9589174.
Genomic context (GRCh38, chr19:49,909,552, plus strand): 5'-GGGTGGCAGCTGTGTTGCTCAAGTTGAGCTTTGAAGCACCGATCCCCAAAGAAAATCCAG[T>A]TCCCCCCGAAGCAAGAGTCGCTGTTCCAAAAGTGAAGCCTGTCGTCTGTGTGGCCGGAGT-3'
Protein context (NP_057637.2, residues 76-96): FGTATLASGG[Thr86Ser]GFSLGIGASK

ClinVar aggregate classification (germline): Uncertain significance (1 of 4 stars; one submission).

Allele frequency attached by ClinVar (database versions not stated): gnomAD 0.00001; TOPMed 0.00001; ExAC 0.00001.
gnomAD v4.1: 12 of 1,614,014 alleles (0.00074%); highest among the groups gnomAD compares: Admixed American, 0.01%; no homozygotes.

Submission:

Labcorp Genetics (formerly Invitae), Labcorp
Classification: Uncertain significance. Last evaluated: 2022-05-27. Review status: criteria provided, single submitter. Criteria: Invitae Variant Classification Sherloc (09022015). Collection method: clinical testing. Allele origin: germline.
Comment: This sequence change replaces threonine, which is neutral and polar, with serine, which is neutral and polar, at codon 86 of the NUP62 protein (p.Thr86Ser). This variant is present in population databases (rs751512833, gnomAD 0.01%). This variant has not been reported in the literature in individuals affected with NUP62-related conditions. Algorithms developed to predict the effect of missense changes on protein structure and function output the following: SIFT: "Tolerated"; PolyPhen-2: "Benign"; Align-GVGD: "Class C0". The serine amino acid residue is found in multiple mammalian species, which suggests that this missense change does not adversely affect protein function. In summary, the available evidence is currently insufficient to determine the role of this variant in disease. Therefore, it has been classified as a Variant of Uncertain Significance.